The following is an entry in ClinVar:

NM_025099.6(CTC1):c.398T>C (p.Leu133Pro)

Gene: CTC1 (CST telomere replication complex component 1; minus strand). Cytogenetic location: 17p13.1.
Variant type: single nucleotide variant.
Coding change: c.398T>C on transcript NM_025099.6 (MANE Select); coding-DNA position 398, T replaced by C.
Protein change: p.Leu133Pro; replaces leucine 133 with proline.
Molecular consequence: missense variant. On other transcripts: non-coding transcript variant (1).
Genome position (GRCh38, 1-based): chr17:8,238,429, A>G on the plus strand (T>C on the coding strand, the complement: CTC1 is on the minus strand). VCF-style: chr17-8238429-A-G. GRCh37 (hg19) VCF-style: chr17-8141747-A-G.
Other names: c.398T>C, p.Leu133Pro (NM_001411067.1); short protein forms L133P.
Identifiers: ClinVar variation 2698791 (VCV002698791.3), dbSNP rs2507950087, ClinGen allele CA397993145.

ClinVar aggregate classification (germline): Uncertain significance (1 of 4 stars; one submission).

Conditions:
Dyskeratosis congenita. Identifiers: Orphanet 1775, MedGen C0265965, MONDO:0015780.

Submission:

Labcorp Genetics (formerly Invitae), Labcorp
Classification: Uncertain significance for Dyskeratosis congenita. Last evaluated: 2023-11-25. Review status: criteria provided, single submitter. Criteria: Invitae Variant Classification Sherloc (09022015). Collection method: clinical testing. Allele origin: germline.
Comment: This sequence change replaces leucine, which is neutral and non-polar, with proline, which is neutral and non-polar, at codon 133 of the CTC1 protein (p.Leu133Pro). This variant is not present in population databases (gnomAD no frequency). This variant has not been reported in the literature in individuals affected with CTC1-related conditions. Advanced modeling of protein sequence and biophysical properties (such as structural, functional, and spatial information, amino acid conservation, physicochemical variation, residue mobility, and thermodynamic stability) performed at Invitae indicates that this missense variant is expected to disrupt CTC1 protein function with a positive predictive value of 80%. In summary, the available evidence is currently insufficient to determine the role of this variant in disease. Therefore, it has been classified as a Variant of Uncertain Significance.